The following is an entry in ClinVar:

NM_003005.4(SELP):c.1812C>T (p.Asn604=)

Gene: SELP (selectin P; minus strand). Cytogenetic location: 1q24.2.
Variant type: single nucleotide variant.
Coding change: c.1812C>T on transcript NM_003005.4 (MANE Select); coding-DNA position 1812, C replaced by T.
Protein change: p.Asn604=; no amino-acid change (asparagine 604 retained).
Molecular consequence: synonymous variant.
Genome position (GRCh38, 1-based): chr1:169,597,070, G>A on the plus strand (C>T on the coding strand, the complement: SELP is on the minus strand). VCF-style: chr1-169597070-G-A. GRCh37 (hg19) VCF-style: chr1-169566308-G-A.
Identifiers: ClinVar variation 3055528 (VCV003055528.2), dbSNP rs6132, ClinGen allele CA1235021.

ClinVar aggregate classification (germline): Benign (0 of 4 stars; one submission).

Conditions:
SELP-related disorder. Also called: SELP-related condition.

Allele frequency attached by ClinVar (database versions not stated): ExAC 0.12716; 1000 Genomes Project 0.21905; gnomAD 0.23030; 1000 Genomes Project 30x 0.23235; TOPMed 0.25160; ESP Exome Variant Server 0.26342.
gnomAD v4.1: 205,589 of 1,607,026 alleles (13%); highest among the groups gnomAD compares: African/African-American, 56%; 22,051 homozygotes.

Submission:

PreventionGenetics, part of Exact Sciences
Classification: Benign for SELP-related condition. Last evaluated: 2019-11-06. Review status: no assertion criteria provided. Collection method: clinical testing. Allele origin: germline.
Comment: This variant is classified as benign based on ACMG/AMP sequence variant interpretation guidelines (Richards et al. 2015 PMID: 25741868, with internal and published modifications).